The following is an entry in ClinVar:

ClinVar aggregate classification (germline): Likely benign. Review status: criteria provided, single submitter (1 of 4 stars). 2 submissions from 2 submitters: Likely benign (1). 1 of the submissions does not count toward it. Last evaluated 2025-11-01.

Conditions:
INPP5E-related disorder. Also called: INPP5E-related condition.
Joubert syndrome. Also called: CEREBELLOPARENCHYMAL DISORDER IV; JOUBERT-BOLTSHAUSER SYNDROME; Familial aplasia of the vermis. Identifiers: Orphanet 475, MedGen C5979921, MONDO:0018772.

Allele frequency attached by ClinVar (database versions not stated): gnomAD 0.00001; gnomAD exomes 0.00001; TOPMed 0.00002.
gnomAD v4.1: 5 of 1,590,298 alleles (0.00031%); highest among the groups gnomAD compares: African/African-American, 0.004%; 1 homozygote.

Submissions (2):

Labcorp Genetics (formerly Invitae), Labcorp
Classification: Likely benign for Joubert syndrome. Last evaluated: 2025-11-01. Review status: criteria provided, single submitter. Criteria: Invitae Variant Classification Sherloc (09022015). Collection method: clinical testing. Allele origin: germline.

PreventionGenetics, part of Exact Sciences
Classification: Likely benign for INPP5E-related condition. Last evaluated: 2023-10-06. Review status: no assertion criteria provided. Collection method: clinical testing. Allele origin: germline. Not counted in ClinVar's aggregate classification.
Comment: This variant is classified as likely benign based on ACMG/AMP sequence variant interpretation guidelines (Richards et al. 2015 PMID: 25741868, with internal and published modifications).

NM_019892.6(INPP5E):c.549C>T (p.Pro183=)

Gene: INPP5E (inositol polyphosphate-5-phosphatase E; minus strand). Cytogenetic location: 9q34.3.
Variant type: single nucleotide variant.
Coding change: c.549C>T on transcript NM_019892.6 (MANE Select); coding-DNA position 549, C replaced by T.
Protein change: p.Pro183=; no amino-acid change (proline 183 retained).
Molecular consequence: synonymous variant.
Genome position (GRCh38, 1-based): chr9:136,438,871, G>A on the plus strand (C>T on the coding strand, the complement: INPP5E is on the minus strand). VCF-style: chr9-136438871-G-A. GRCh37 (hg19) VCF-style: chr9-139333323-G-A.
Other names: c.549C>T, p.Pro183= (NM_001318502.2); c.549C>T (NM_019892.5).
Identifiers: ClinVar variation 1117937 (VCV001117937.10), dbSNP rs750486950, ClinGen allele CA5337138.